The following is an entry in ClinVar:

NM_001429.4(EP300):c.1040A>G (p.His347Arg)

Gene: EP300 (E1A binding protein p300; plus strand). Cytogenetic location: 22q13.2.
Variant type: single nucleotide variant.
Coding change: c.1040A>G on transcript NM_001429.4 (MANE Select); coding-DNA position 1040, A replaced by G.
Protein change: p.His347Arg; replaces histidine 347 with arginine.
Molecular consequence: missense variant.
Genome position (GRCh38, 1-based): chr22:41,127,620, A>G. VCF-style: chr22-41127620-A-G. GRCh37 (hg19) VCF-style: chr22-41523624-A-G.
Other names: c.1040A>G, p.His347Arg (NM_001362843.2); short protein forms H347R.
Identifiers: ClinVar variation 1307822 (VCV001307822.2), dbSNP rs2145710261, ClinGen allele CA411683859.

ClinVar aggregate classification (germline): Uncertain significance (1 of 4 stars; one submission).

Submission:

GeneDx
Classification: Uncertain significance. Last evaluated: 2019-08-07. Review status: criteria provided, single submitter. Criteria: GeneDx Variant Classification Process June 2021. Collection method: clinical testing. Allele origin: germline. Affected: yes.
Comment: Not observed in large population cohorts (Lek et al., 2016); In silico analysis, which includes protein predictors and evolutionary conservation, supports a deleterious effect; Has not been previously published as pathogenic or benign to our knowledge